The following is an entry in ClinVar:

ClinVar aggregate classification (germline): Uncertain significance. Review status: criteria provided, single submitter (1 of 4 stars). 2 submissions from 2 submitters: Uncertain significance (1). 1 of the submissions does not count toward it. Last evaluated 2021-08-31.

Conditions:
Charcot-Marie-Tooth disease type 4. Also called: Charcot-Marie-Tooth, Type 4; Charcot-Marie-Tooth disease, type IV. Identifiers: Orphanet 64749, MedGen C4082197, MONDO:0018995.
Charcot-Marie-Tooth disease type 4D. Also called: CHARCOT-MARIE-TOOTH DISEASE, DEMYELINATING, AUTOSOMAL RECESSIVE, TYPE 4D; Charcot-Marie-Tooth Neuropathy Type 4D; NEUROPATHY, HEREDITARY MOTOR AND SENSORY, LOM TYPE; CHARCOT-MARIE-TOOTH DISEASE, DEMYELINATING, TYPE 4D. Identifiers: Orphanet 99950, MedGen C1832334, MONDO:0011085, OMIM 601455.

Allele frequency attached by ClinVar (database versions not stated): gnomAD 0.00001; TOPMed 0.00001.
gnomAD v4.1: 6 of 1,614,028 alleles (0.00037%); highest among the groups gnomAD compares: Non-Finnish European, 0.000085%; no homozygotes.

Submissions (2):

Labcorp Genetics (formerly Invitae), Labcorp
Classification: Uncertain significance for Charcot-Marie-Tooth disease type 4. Last evaluated: 2021-08-31. Review status: criteria provided, single submitter. Criteria: Invitae Variant Classification Sherloc (09022015). Collection method: clinical testing. Allele origin: germline.
Comment: This sequence change replaces aspartic acid with tyrosine at codon 36 of the NDRG1 protein (p.Asp36Tyr). The aspartic acid residue is moderately conserved and there is a large physicochemical difference between aspartic acid and tyrosine. This variant is present in population databases (rs745832151, ExAC 0.001%). This variant has not been reported in the literature in individuals affected with NDRG1-related conditions. ClinVar contains an entry for this variant (Variation ID: 476842). Algorithms developed to predict the effect of missense changes on protein structure and function are either unavailable or do not agree on the potential impact of this missense change (SIFT: "Deleterious"; PolyPhen-2: "Probably Damaging"; Align-GVGD: "Class C0"). In summary, the available evidence is currently insufficient to determine the role of this variant in disease. Therefore, it has been classified as a Variant of Uncertain Significance.

Natera, Inc.
Classification: Uncertain significance for Charcot-Marie-Tooth disease type 4D. Last evaluated: 2021-02-11. Review status: no assertion criteria provided. Collection method: clinical testing. Allele origin: germline. Not counted in ClinVar's aggregate classification.

NM_006096.4(NDRG1):c.106G>T (p.Asp36Tyr)

Gene: NDRG1 (N-myc downstream regulated 1; minus strand). Cytogenetic location: 8q24.22.
Variant type: single nucleotide variant.
Coding change: c.106G>T on transcript NM_006096.4 (MANE Select); coding-DNA position 106, G replaced by T.
Protein change: p.Asp36Tyr; replaces aspartic acid 36 with tyrosine.
Molecular consequence: missense variant. On other transcripts: 5 prime UTR variant (2), intron variant (1).
Genome position (GRCh38, 1-based): chr8:133,264,646, C>A on the plus strand (G>T on the coding strand, the complement: NDRG1 is on the minus strand). VCF-style: chr8-133264646-C-A. GRCh37 (hg19) VCF-style: chr8-134276889-C-A.
Other names: c.106G>T, p.Asp36Tyr (NM_001135242.2, NM_001374844.1, NM_001374845.1 and 1 more transcripts); c.-93G>T (NM_001258432.2, NM_001374847.1); c.-38-2479G>T (NM_001258433.2); short protein forms D36Y.
Identifiers: ClinVar variation 476842 (VCV000476842.4), dbSNP rs745832151, ClinGen allele CA4886883.